The following is an entry in ClinVar:

ClinVar aggregate classification (germline): Likely benign. Review status: criteria provided, single submitter (1 of 4 stars). 2 submissions from 2 submitters: Likely benign (1). 1 of the submissions does not count toward it. Last evaluated 2022-03-19.

Conditions:
RYR3-related disorder. Also called: RYR3-related condition.
Epileptic encephalopathy. Identifiers: MedGen C0543888, HP:0200134.

Allele frequency attached by ClinVar (database versions not stated): gnomAD below 0.00001 and 0.00001; gnomAD exomes 0.00001 and 0.00003; TOPMed 0.00002; 1000 Genomes Project 0.00020; 1000 Genomes Project 30x 0.00031.
gnomAD v4.1: 27 of 1,553,000 alleles (0.0017%); highest among the groups gnomAD compares: East Asian, 0.02%; no homozygotes.

Submissions (2):

Labcorp Genetics (formerly Invitae), Labcorp
Classification: Likely benign for Epileptic encephalopathy. Last evaluated: 2022-03-19. Review status: criteria provided, single submitter. Criteria: Invitae Variant Classification Sherloc (09022015). Collection method: clinical testing. Allele origin: germline.

PreventionGenetics, part of Exact Sciences
Classification: Likely benign for RYR3-related condition. Last evaluated: 2019-05-23. Review status: no assertion criteria provided. Collection method: clinical testing. Allele origin: germline. Not counted in ClinVar's aggregate classification.
Comment: This variant is classified as likely benign based on ACMG/AMP sequence variant interpretation guidelines (Richards et al. 2015 PMID: 25741868, with internal and published modifications).

NM_001036.6(RYR3):c.11298C>A (p.Val3766=)

Gene: RYR3 (ryanodine receptor 3; plus strand). Cytogenetic location: 15q14.
Variant type: single nucleotide variant.
Coding change: c.11298C>A on transcript NM_001036.6 (MANE Select); coding-DNA position 11298, C replaced by A.
Protein change: p.Val3766=; no amino-acid change (valine 3766 retained).
Molecular consequence: synonymous variant.
Genome position (GRCh38, 1-based): chr15:33,827,251, C>A. VCF-style: chr15-33827251-C-A. GRCh37 (hg19) VCF-style: chr15-34119452-C-A.
Other names: c.11283C>A, p.Val3761= (NM_001243996.4).
Identifiers: ClinVar variation 751762 (VCV000751762.13), dbSNP rs374363426, ClinGen allele CA268581619.